The following is an entry in ClinVar:

NM_000138.5(FBN1):c.921A>C (p.Thr307=)

Gene: FBN1 (fibrillin 1; minus strand). Cytogenetic location: 15q21.1.
Variant type: single nucleotide variant.
Coding change: c.921A>C on transcript NM_000138.5 (MANE Select); coding-DNA position 921, A replaced by C.
Protein change: p.Thr307=; no amino-acid change (threonine 307 retained).
Molecular consequence: synonymous variant.
Genome position (GRCh38, 1-based): chr15:48,526,197, T>G on the plus strand (A>C on the coding strand, the complement: FBN1 is on the minus strand). VCF-style: chr15-48526197-T-G. GRCh37 (hg19) VCF-style: chr15-48818394-T-G.
Identifiers: ClinVar variation 509387 (VCV000509387.10), dbSNP rs1341105449, ClinGen allele CA490028598.

ClinVar aggregate classification (germline): Likely benign. Review status: criteria provided, multiple submitters, no conflicts (2 of 4 stars). 3 submissions from 3 submitters: Likely benign (3). Last evaluated 2025-01-14.

Conditions:
Familial thoracic aortic aneurysm and aortic dissection (TAAD). Also called: Thoracic aortic aneurysms and dissections. Identifiers: Orphanet 91387, MedGen C4707243, MONDO:0019625.
Marfan syndrome (MFS). Also called: Marfan syndrome type 1; Marfan syndrome, classic; Marfan's syndrome; FBN1-Related Marfan Syndrome; MARFAN SYNDROME, TYPE I. Identifiers: Orphanet 284963, Orphanet 558, MedGen C0024796, MONDO:0007947, OMIM 154700.

Allele frequency attached by ClinVar (database versions not stated): gnomAD 0.00001; TOPMed 0.00001.
gnomAD v4.1: 4 of 1,613,994 alleles (0.00025%); highest among the groups gnomAD compares: Non-Finnish European, 0.00034%; no homozygotes.

Submissions (3):

Labcorp Genetics (formerly Invitae), Labcorp
Classification: Likely benign for Marfan syndrome; Familial thoracic aortic aneurysm and aortic dissection. Last evaluated: 2025-01-14. Review status: criteria provided, single submitter. Criteria: Invitae Variant Classification Sherloc (09022015). Collection method: clinical testing. Allele origin: germline.

GeneDx
Classification: Likely benign. Last evaluated: 2017-05-04. Review status: criteria provided, single submitter. Criteria: GeneDx Variant Classification (06012015). Collection method: clinical testing. Allele origin: germline. Affected: yes.
Comment: This variant is considered likely benign or benign based on one or more of the following criteria: it is a conservative change, it occurs at a poorly conserved position in the protein, it is predicted to be benign by multiple in silico algorithms, and/or has population frequency not consistent with disease.

Ambry Genetics
Classification: Likely benign for Familial thoracic aortic aneurysm and aortic dissection. Last evaluated: 2016-12-30. Review status: criteria provided, single submitter. Criteria: Ambry Variant Classification Scheme 2023. Collection method: clinical testing. Allele origin: germline.